The following is an entry in ClinVar:

ClinVar aggregate classification (germline): Uncertain significance (1 of 4 stars; one submission).

Conditions:
Hereditary pancreatitis (PCTT). Also called: Hereditary chronic pancreatitis; PRSS1-Related Hereditary Pancreatitis. Identifiers: Orphanet 676, MedGen C0238339, MONDO:0008185, OMIM 167800.

Submission:

Ambry Genetics
Classification: Uncertain significance for Hereditary pancreatitis. Last evaluated: 2022-10-15. Review status: criteria provided, single submitter. Criteria: Ambry Variant Classification Scheme 2023. Collection method: clinical testing. Allele origin: germline.
Comment: The p.K248E variant (also known as c.742A>G), located in coding exon 7 of the CTRC gene, results from an A to G substitution at nucleotide position 742. The lysine at codon 248 is replaced by glutamic acid, an amino acid with similar properties. This amino acid position is conserved. In addition, this alteration is predicted to be deleterious by in silico analysis. Since supporting evidence is limited at this time, the clinical significance of this alteration remains unclear.

NM_007272.3(CTRC):c.742A>G (p.Lys248Glu)

Gene: CTRC (chymotrypsin C; plus strand). Cytogenetic location: 1p36.21.
Variant type: single nucleotide variant.
Coding change: c.742A>G on transcript NM_007272.3 (MANE Select); coding-DNA position 742, A replaced by G.
Protein change: p.Lys248Glu; replaces lysine 248 with glutamic acid.
Molecular consequence: missense variant.
Genome position (GRCh38, 1-based): chr1:15,445,699, A>G. VCF-style: chr1-15445699-A-G. GRCh37 (hg19) VCF-style: chr1-15772194-A-G.
Other names: short protein forms K248E.
Identifiers: ClinVar variation 1758866 (VCV001758866.2), dbSNP rs2526303734, ClinGen allele CA338567881.
Genomic context (GRCh38, chr1:15,445,699, plus strand): 5'-TCCTGGGAGGTGTTTGGCATCGTCAGCTTTGGCTCCCGGCGGGGCTGCAACACCCGCAAG[A>G]AGCCGGTAGTCTACACCCGGGTGTCCGCCTACATCGACTGGATCAACGAGGTGGGTGCTG-3'
Protein context (NP_009203.2, residues 238-258): GSRRGCNTRK[Lys248Glu]PVVYTRVSAY